The following is an entry in ClinVar:

NM_018127.7(ELAC2):c.1163A>G (p.Gln388Arg)

Gene: ELAC2 (elaC ribonuclease Z 2; minus strand). Cytogenetic location: 17p12.
Variant type: single nucleotide variant.
Coding change: c.1163A>G on transcript NM_018127.7 (MANE Select); coding-DNA position 1163, A replaced by G.
Protein change: p.Gln388Arg; replaces glutamine 388 with arginine.
Molecular consequence: missense variant.
Genome position (GRCh38, 1-based): chr17:13,002,496, T>C on the plus strand (A>G on the coding strand, the complement: ELAC2 is on the minus strand). VCF-style: chr17-13002496-T-C. GRCh37 (hg19) VCF-style: chr17-12905813-T-C.
Other names: c.1043A>G, p.Gln348Arg (NM_001165962.2); c.1163A>G, p.Gln388Arg (NM_173717.2); short protein forms Q388R, Q348R.
Identifiers: ClinVar variation 1393249 (VCV001393249.9), dbSNP rs759815679, ClinGen allele CA398225409.
Genomic context (GRCh38, chr17:13,002,496, plus strand): 5'-ACTACCTTACAGCGGAAACTGGTGAGCAGGGGGAAGATGTCCGGGTGGATGAGGTTGAGC[T>C]GGGTTTGAATCTTGTGGCTGCGAAGGTTGTGAACTGAGGCACAGTTCTCATTCAGGACCA-3'
Protein context (NP_060597.4, residues 378-398): HNLRSHKIQT[Gln388Arg]LNLIHPDIFP

ClinVar aggregate classification (germline): Uncertain significance (1 of 4 stars; one submission).

Conditions:
Combined oxidative phosphorylation defect type 17. Also called: Combined oxidative phosphorylation deficiency 17. Identifiers: Orphanet 369913, MedGen C3809526, MONDO:0014190, OMIM 615440.

Allele frequency attached by ClinVar (database versions not stated): TOPMed below 0.00001.

Submission:

Labcorp Genetics (formerly Invitae), Labcorp
Classification: Uncertain significance for Combined oxidative phosphorylation defect type 17. Last evaluated: 2022-11-15. Review status: criteria provided, single submitter. Criteria: Invitae Variant Classification Sherloc (09022015). Collection method: clinical testing. Allele origin: germline.
Comment: This missense change has been observed in individual(s) with autosomal recessive ELAC2-related conditions (PMID: 31045291). In summary, the available evidence is currently insufficient to determine the role of this variant in disease. Therefore, it has been classified as a Variant of Uncertain Significance. Experimental studies have shown that this missense change affects ELAC2 function (PMID: 31045291). Advanced modeling of protein sequence and biophysical properties (such as structural, functional, and spatial information, amino acid conservation, physicochemical variation, residue mobility, and thermodynamic stability) performed at Invitae indicates that this missense variant is not expected to disrupt ELAC2 protein function. ClinVar contains an entry for this variant (Variation ID: 1393249). This variant is not present in population databases (gnomAD no frequency). This sequence change replaces glutamine, which is neutral and polar, with arginine, which is basic and polar, at codon 388 of the ELAC2 protein (p.Gln388Arg).

Literature cited by the submitters: PubMed 31045291.